The following is an entry in ClinVar:

NM_003238.6(TGFB2):c.1100A>G (p.Tyr367Cys)

Gene: TGFB2 (transforming growth factor beta 2; plus strand). Cytogenetic location: 1q41.
Variant type: single nucleotide variant.
Coding change: c.1100A>G on transcript NM_003238.6 (MANE Select); coding-DNA position 1100, A replaced by G.
Protein change: p.Tyr367Cys; replaces tyrosine 367 with cysteine.
Molecular consequence: missense variant. On other transcripts: non-coding transcript variant (2).
Genome position (GRCh38, 1-based): chr1:218,441,217, A>G. VCF-style: chr1-218441217-A-G. GRCh37 (hg19) VCF-style: chr1-218614559-A-G.
Other names: c.1184A>G, p.Tyr395Cys (NM_001135599.4); short protein forms Y395C, Y367C.
Identifiers: ClinVar variation 1968849 (VCV001968849.7), dbSNP rs1660140116, ClinGen allele CA344727782.
Genomic context (GRCh38, chr1:218,441,217, plus strand): 5'-TTTTCCGTCTTTCCCTATGTTGTCTCTCCTCTCCTGTGTCCTTTCAGGTCCTGAGCTTAT[A>G]TAATACCATAAATCCAGAAGCATCTGCTTCTCCTTGCTGCGTGTCCCAAGATTTAGAACC-3'
Protein context (NP_003229.1, residues 357-377): DTQHSRVLSL[Tyr367Cys]NTINPEASAS

ClinVar aggregate classification (germline): Uncertain significance. Review status: criteria provided, multiple submitters, no conflicts (2 of 4 stars). 2 submissions from 2 submitters: Uncertain significance (2). Last evaluated 2024-03-26.

Conditions:
Loeys-Dietz syndrome 4 (LDS4). Also called: ANEURYSM, AORTIC AND CEREBRAL, WITH ARTERIAL TORTUOSITY AND SKELETAL MANIFESTATIONS; TGFB2-Related Loeys-Dietz Syndrome. Identifiers: MedGen C3553762, MONDO:0013897, OMIM 614816.

Allele frequency attached by ClinVar (database versions not stated): gnomAD exomes below 0.00001; TOPMed below 0.00001.
gnomAD v4.1: 1 of 1,612,476 alleles (0.000062%); no homozygotes.

Submissions (2):

Institute of Human Genetics, University of Leipzig Medical Center
Classification: Uncertain significance for Loeys-Dietz syndrome 4. Last evaluated: 2024-03-26. Review status: criteria provided, single submitter. Criteria: ACMG Guidelines, 2015. Collection method: clinical testing. Allele origin: unknown. Inheritance: Autosomal dominant inheritance. Affected: yes.
Comment: Criteria applied: PM2_SUP,PP3

Labcorp Genetics (formerly Invitae), Labcorp
Classification: Uncertain significance for Loeys-Dietz syndrome 4. Last evaluated: 2022-08-02. Review status: criteria provided, single submitter. Criteria: Invitae Variant Classification Sherloc (09022015). Collection method: clinical testing. Allele origin: germline.
Comment: This sequence change replaces tyrosine, which is neutral and polar, with cysteine, which is neutral and slightly polar, at codon 367 of the TGFB2 protein (p.Tyr367Cys). This variant is not present in population databases (gnomAD no frequency). This variant has not been reported in the literature in individuals affected with TGFB2-related conditions. Advanced modeling of protein sequence and biophysical properties (such as structural, functional, and spatial information, amino acid conservation, physicochemical variation, residue mobility, and thermodynamic stability) performed at Invitae indicates that this missense variant is expected to disrupt TGFB2 protein function. In summary, the available evidence is currently insufficient to determine the role of this variant in disease. Therefore, it has been classified as a Variant of Uncertain Significance.